The following is an entry in ClinVar:

NM_080680.3(COL11A2):c.2842C>T (p.Pro948Ser)

Gene: COL11A2 (collagen type XI alpha 2 chain; minus strand). Cytogenetic location: 6p21.32.
Variant type: single nucleotide variant.
Coding change: c.2842C>T on transcript NM_080680.3 (MANE Select); coding-DNA position 2842, C replaced by T.
Protein change: p.Pro948Ser; replaces proline 948 with serine.
Molecular consequence: missense variant.
Genome position (GRCh38, 1-based): chr6:33,172,586, G>A on the plus strand (C>T on the coding strand, the complement: COL11A2 is on the minus strand). VCF-style: chr6-33172586-G-A. GRCh37 (hg19) VCF-style: chr6-33140363-G-A.
Other names: c.2662C>T, p.Pro888Ser (NM_001424108.1); c.1996C>T, p.Pro666Ser (NM_001424109.1); c.1816C>T, p.Pro606Ser (NM_001424110.1, NM_001424111.1); c.796C>T, p.Pro266Ser (NM_001424112.1); c.2521C>T, p.Pro841Ser (NM_080679.3); c.2584C>T, p.Pro862Ser (NM_080681.3); short protein forms P948S, P266S, P606S, P666S, P888S, P841S, P862S.
Identifiers: ClinVar variation 3666636 (VCV003666636.2).

ClinVar aggregate classification (germline): Uncertain significance (1 of 4 stars; one submission).

Submission:

Labcorp Genetics (formerly Invitae), Labcorp
Classification: Uncertain significance. Last evaluated: 2024-04-25. Review status: criteria provided, single submitter. Criteria: Invitae Variant Classification Sherloc (09022015). Collection method: clinical testing. Allele origin: germline.
Comment: This sequence change replaces proline, which is neutral and non-polar, with serine, which is neutral and polar, at codon 948 of the COL11A2 protein (p.Pro948Ser). This variant is not present in population databases (gnomAD no frequency). This variant has not been reported in the literature in individuals affected with COL11A2-related conditions. Advanced modeling of protein sequence and biophysical properties (such as structural, functional, and spatial information, amino acid conservation, physicochemical variation, residue mobility, and thermodynamic stability) performed at Invitae indicates that this missense variant is not expected to disrupt COL11A2 protein function with a negative predictive value of 95%. In summary, the available evidence is currently insufficient to determine the role of this variant in disease. Therefore, it has been classified as a Variant of Uncertain Significance.